The following is an entry in ClinVar:

NM_000321.3(RB1):c.2285A>T (p.Gln762Leu)

Gene: RB1 (RB transcriptional corepressor 1; plus strand). Cytogenetic location: 13q14.2.
Variant type: single nucleotide variant.
Coding change: c.2285A>T on transcript NM_000321.3 (MANE Select); coding-DNA position 2285, A replaced by T.
Protein change: p.Gln762Leu; replaces glutamine 762 with leucine.
Molecular consequence: missense variant.
Genome position (GRCh38, 1-based): chr13:48,465,071, A>T. VCF-style: chr13-48465071-A-T. GRCh37 (hg19) VCF-style: chr13-49039207-A-T.
Other names: short protein forms Q762L.
Identifiers: ClinVar variation 660447 (VCV000660447.8), dbSNP rs1593539228, ClinGen allele CA388167648.
Genomic context (GRCh38, chr13:48,465,071, plus strand): 5'-TTTTGATCAAAGAAGAGGAGTATGATTCTATTATAGTATTCTATAACTCGGTCTTCATGC[A>T]GAGACTGAAAACAAATATTTTGCAGTATGCTTCCACCAGGGTAGGTCAAAAGTATCCTTT-3'
Protein context (NP_000312.2, residues 752-772): IIVFYNSVFM[Gln762Leu]RLKTNILQYA

ClinVar aggregate classification (germline): Uncertain significance (1 of 4 stars; one submission).

Conditions:
Retinoblastoma (RB1). Also called: RETINOBLASTOMA, SOMATIC. Identifiers: Orphanet 790, MedGen C0035335, MeSH D012175, MONDO:0008380, OMIM 180200, HP:0009919. Disease mechanism: loss of function. Inheritance: Both sporadic and heritable forms are tested..

Submission:

Labcorp Genetics (formerly Invitae), Labcorp
Classification: Uncertain significance for Retinoblastoma. Last evaluated: 2018-10-22. Review status: criteria provided, single submitter. Criteria: Invitae Variant Classification Sherloc (09022015). Collection method: clinical testing. Allele origin: germline.
Comment: In summary, the available evidence is currently insufficient to determine the role of this variant in disease. Therefore, it has been classified as a Variant of Uncertain Significance. Algorithms developed to predict the effect of missense changes on protein structure and function (SIFT, PolyPhen-2, Align-GVGD) all suggest that this variant is likely to be disruptive, but these predictions have not been confirmed by published functional studies and their clinical significance is uncertain. This variant has not been reported in the literature in individuals with RB1-related disease. This variant is not present in population databases (ExAC no frequency). This sequence change replaces glutamine with leucine at codon 762 of the RB1 protein (p.Gln762Leu). The glutamine residue is highly conserved and there is a moderate physicochemical difference between glutamine and leucine.